The following is an entry in ClinVar:

NM_002185.5(IL7R):c.554G>T (p.Ser185Ile)

Gene: IL7R (interleukin 7 receptor; plus strand). Cytogenetic location: 5p13.2.
Variant type: single nucleotide variant.
Coding change: c.554G>T on transcript NM_002185.5 (MANE Select); coding-DNA position 554, G replaced by T.
Protein change: p.Ser185Ile; replaces serine 185 with isoleucine.
Molecular consequence: missense variant.
Genome position (GRCh38, 1-based): chr5:35,873,496, G>T. VCF-style: chr5-35873496-G-T. GRCh37 (hg19) VCF-style: chr5-35873598-G-T.
Other names: NM_002185.5(IL7R):c.554G>T; p.Ser185Ile; short protein forms S185I.
Identifiers: ClinVar variation 444650 (VCV000444650.47), dbSNP rs1188286965, ClinGen allele CA359430569.

ClinVar aggregate classification (germline): Uncertain significance. Review status: reviewed by expert panel (3 of 4 stars). 3 submissions from 3 submitters: Uncertain significance (1). 2 of the submissions do not count toward it. Last evaluated 2024-06-21.

Conditions:
Immunodeficiency 104. Also called: Severe Combined Immune Deficiency, Autosomal Recessive, TCell -Negative, B Cell-Positive, NK Cell-Positive, IL7R-Related; SCID, AUTOSOMAL RECESSIVE, T CELL-NEGATIVE, B CELL-POSITIVE, NK CELL-POSITIVE; Severe combined immunodeficiency, autosomal recessive, T cell-negative, B cell-positive, NK cell-positive; IMMUNODEFICIENCY 104, SEVERE COMBINED. Identifiers: MedGen C5676890, MONDO:0012163, OMIM 608971.

Allele frequency attached by ClinVar (database versions not stated): gnomAD 0.00001; gnomAD exomes 0.00001; TOPMed 0.00002.
gnomAD v4.1: 7 of 1,613,808 alleles (0.00043%); highest among the groups gnomAD compares: East Asian, 0.0067%; no homozygotes.

Submissions (3):

ClinGen Severe Combined Immunodeficiency Variant Curation Expert Panel, ClinGen
Classification: Uncertain significance for Immunodeficiency 104. Last evaluated: 2024-06-21. Review status: reviewed by expert panel. Criteria: ClinGen SCID ACMG Specifications IL7R V1.0.0. Collection method: curation. Allele origin: germline. Inheritance: Autosomal recessive inheritance.
Comment: NM_002185.5(IL7R):c.554G>T is a missense variant predicted to cause substitution of Serine by Isoleucine at amino acid 185 (p.Ser185Ile). The filtering allele frequency (the upper threshold of the 95% CI of 3/44892) of the c.554G>T variant in IL7R is 0.00001772 for East Asian chromosomes by gnomAD v4, which is lower than the ClinGen SCID VCEP threshold (<0.00004129) for PM2_Supporting, and therefore meets this criterion (PM2_Supporting).There are no publications for this variant in the literature. In summary, this variant meets the criteria to be classified as a variant of uncertain significance for autosomal recessive severe combined immunodeficiency due to IL7R deficiency based on the ACMG/AMP criteria applied, as specified by the ClinGen SCID VCEP: PM2_Supporting (VCEP specifications version 1).

Illumina Laboratory Services, Illumina
Classification: Uncertain significance for Immunodeficiency 104. Last evaluated: 2017-04-28. Review status: criteria provided, single submitter. Criteria: ICSL Variant Classification Criteria 13 December 2019. Collection method: clinical testing. Allele origin: germline. Not counted in ClinVar's aggregate classification.

CeGaT Center for Human Genetics Tuebingen
Classification: Uncertain significance. Last evaluated: 2017-02-01. Review status: criteria provided, single submitter. Criteria: CeGaT Center For Human Genetics Tuebingen Variant Classification Criteria Version 2. Collection method: clinical testing. Allele origin: germline. Affected: yes. Observed: 1 variant allele. Not counted in ClinVar's aggregate classification.